The following is an entry in ClinVar:

NM_001032.5(RPS29):c.140C>T (p.Ala47Val)

Gene: RPS29 (ribosomal protein S29; minus strand). Cytogenetic location: 14q21.3.
Variant type: single nucleotide variant.
Coding change: c.140C>T on transcript NM_001032.5 (MANE Select); coding-DNA position 140, C replaced by T.
Protein change: p.Ala47Val; replaces alanine 47 with valine.
Molecular consequence: missense variant.
Genome position (GRCh38, 1-based): chr14:49,585,972, G>A on the plus strand (C>T on the coding strand, the complement: RPS29 is on the minus strand). VCF-style: chr14-49585972-G-A. GRCh37 (hg19) VCF-style: chr14-50052690-G-A.
Other names: c.140C>T, p.Ala47Val (NM_001030001.4); c.131C>T, p.Ala44Val (NM_001351375.2); short protein forms A44V, A47V.
Identifiers: ClinVar variation 2866763 (VCV002866763.3), dbSNP rs755608372, ClinGen allele CA389755382.

ClinVar aggregate classification (germline): Uncertain significance (1 of 4 stars; one submission).

Submission:

Labcorp Genetics (formerly Invitae), Labcorp
Classification: Uncertain significance. Last evaluated: 2023-09-08. Review status: criteria provided, single submitter. Criteria: Invitae Variant Classification Sherloc (09022015). Collection method: clinical testing. Allele origin: germline.
Comment: This sequence change replaces alanine, which is neutral and non-polar, with valine, which is neutral and non-polar, at codon 47 of the RPS29 protein (p.Ala47Val). This variant is not present in population databases (gnomAD no frequency). This variant has not been reported in the literature in individuals affected with RPS29-related conditions. An algorithm developed to predict the effect of missense changes on protein structure and function (PolyPhen-2) suggests that this variant is likely to be tolerated. In summary, the available evidence is currently insufficient to determine the role of this variant in disease. Therefore, it has been classified as a Variant of Uncertain Significance.